The following is an entry in ClinVar:

NM_000553.6(WRN):c.2140A>G (p.Ile714Val)

Gene: WRN (WRN RecQ like helicase; plus strand). Cytogenetic location: 8p12.
Variant type: single nucleotide variant.
Coding change: c.2140A>G on transcript NM_000553.6 (MANE Select); coding-DNA position 2140, A replaced by G.
Protein change: p.Ile714Val; replaces isoleucine 714 with valine.
Molecular consequence: missense variant.
Genome position (GRCh38, 1-based): chr8:31,111,666, A>G. VCF-style: chr8-31111666-A-G. GRCh37 (hg19) VCF-style: chr8-30969182-A-G.
Other names: c.2140A>G (NM_000553.4); short protein forms I714V.
Identifiers: ClinVar variation 1365542 (VCV001365542.9), dbSNP rs752472638, ClinGen allele CA4704658.

ClinVar aggregate classification (germline): Uncertain significance. Review status: criteria provided, multiple submitters, no conflicts (2 of 4 stars). 2 submissions from 2 submitters: Uncertain significance (2). Last evaluated 2025-02-11.

Conditions:
Werner syndrome (WRN). Identifiers: Orphanet 902, MedGen C0043119, MONDO:0010196, OMIM 277700.
Inborn genetic diseases. Identifiers: MedGen C0950123, MeSH D030342.

Allele frequency attached by ClinVar (database versions not stated): gnomAD exomes below 0.00001; ExAC 0.00001.
gnomAD v4.1: 7 of 1,614,086 alleles (0.00043%); highest among the groups gnomAD compares: Middle Eastern, 0.017%; no homozygotes.

Submissions (2):

Ambry Genetics
Classification: Uncertain significance for Inborn genetic diseases. Last evaluated: 2025-02-11. Review status: criteria provided, single submitter. Criteria: Ambry Variant Classification Scheme 2023. Collection method: clinical testing. Allele origin: germline.

Labcorp Genetics (formerly Invitae), Labcorp
Classification: Uncertain significance for Werner syndrome. Last evaluated: 2023-07-06. Review status: criteria provided, single submitter. Criteria: Invitae Variant Classification Sherloc (09022015). Collection method: clinical testing. Allele origin: germline.
Comment: In summary, the available evidence is currently insufficient to determine the role of this variant in disease. Therefore, it has been classified as a Variant of Uncertain Significance. An algorithm developed to predict the effect of missense changes on protein structure and function (PolyPhen-2) suggests that this variant is likely to be disruptive. ClinVar contains an entry for this variant (Variation ID: 1365542). This variant has not been reported in the literature in individuals affected with WRN-related conditions. This variant is present in population databases (rs752472638, gnomAD 0.003%). This sequence change replaces isoleucine, which is neutral and non-polar, with valine, which is neutral and non-polar, at codon 714 of the WRN protein (p.Ile714Val).